The following is an entry in ClinVar:

ClinVar aggregate classification (germline): Uncertain significance. Review status: criteria provided, multiple submitters, no conflicts (2 of 4 stars). 3 submissions from 3 submitters: Uncertain significance (3). Last evaluated 2025-06-08.

Conditions:
Charcot-Marie-Tooth disease type 4. Also called: Charcot-Marie-Tooth, Type 4; Charcot-Marie-Tooth disease, type IV. Identifiers: Orphanet 64749, MedGen C4082197, MONDO:0018995.
Inborn genetic diseases. Identifiers: MedGen C0950123, MeSH D030342.

Allele frequency attached by ClinVar (database versions not stated): gnomAD exomes below 0.00001; TOPMed below 0.00001; gnomAD 0.00001; ExAC 0.00002; 1000 Genomes Project 30x 0.00016; 1000 Genomes Project 0.00020.
gnomAD v4.1: 5 of 1,613,754 alleles (0.00031%); highest among the groups gnomAD compares: South Asian, 0.0055%; no homozygotes.

Submissions (3):

Mayo Clinic Laboratories, Mayo Clinic
Classification: Uncertain significance. Last evaluated: 2025-06-08. Review status: criteria provided, single submitter. Criteria: ACMG Guidelines, 2015. Collection method: clinical testing. Allele origin: germline. Observed: 1 variant allele.
Comment: PP3_moderate, PM2_supporting

Ambry Genetics
Classification: Uncertain significance for Inborn genetic diseases. Last evaluated: 2025-03-11. Review status: criteria provided, single submitter. Criteria: Ambry Variant Classification Scheme 2023. Collection method: clinical testing. Allele origin: germline.

Labcorp Genetics (formerly Invitae), Labcorp
Classification: Uncertain significance for Charcot-Marie-Tooth disease type 4. Last evaluated: 2022-02-18. Review status: criteria provided, single submitter. Criteria: Invitae Variant Classification Sherloc (09022015). Collection method: clinical testing. Allele origin: germline.
Comment: In summary, the available evidence is currently insufficient to determine the role of this variant in disease. Therefore, it has been classified as a Variant of Uncertain Significance. Algorithms developed to predict the effect of missense changes on protein structure and function are either unavailable or do not agree on the potential impact of this missense change (SIFT: "Deleterious"; PolyPhen-2: "Possibly Damaging"; Align-GVGD: "Class C0"). This variant has not been reported in the literature in individuals affected with SBF2-related conditions. This variant is present in population databases (rs548242051, gnomAD 0.006%). This sequence change replaces alanine, which is neutral and non-polar, with glutamic acid, which is acidic and polar, at codon 983 of the SBF2 protein (p.Ala983Glu).

NM_030962.4(SBF2):c.2948C>A (p.Ala983Glu)

Genes: SBF2 (SET binding factor 2; minus strand), LOC101928008 (uncharacterized LOC101928008; plus strand). Cytogenetic location: 11p15.4.
Variant type: single nucleotide variant.
Coding change: c.2948C>A on transcript NM_030962.4 (MANE Select); coding-DNA position 2948, C replaced by A.
Protein change: p.Ala983Glu; replaces alanine 983 with glutamic acid.
Molecular consequence: missense variant.
Genome position (GRCh38, 1-based): chr11:9,845,727, G>T on the plus strand (C>A on the coding strand, the complement: SBF2 is on the minus strand). VCF-style: chr11-9845727-G-T. GRCh37 (hg19) VCF-style: chr11-9867274-G-T.
Other names: p.Ala983Glu; c.2948C>A, p.Ala983Glu (NM_001386339.1); c.2819C>A, p.Ala940Glu (NM_001386342.1); short protein forms A983E, A940E.
Identifiers: ClinVar variation 1900820 (VCV001900820.7), dbSNP rs548242051, ClinGen allele CA5881403.